The following is an entry in ClinVar:

NM_001370466.1(NOD2):c.715del (p.Ala239fs)

Gene: NOD2 (nucleotide binding oligomerization domain containing 2; plus strand). Cytogenetic location: 16q12.1.
Variant type: Deletion.
Coding change: c.715del on transcript NM_001370466.1 (MANE Select); coding-DNA position 715, one base deleted (G; older notation c.715delG).
Protein change: p.Ala239fs; shifts the reading frame from alanine 239.
Molecular consequence: frameshift variant. On other transcripts: non-coding transcript variant (1).
Genome position (GRCh38, 1-based): chr16:50,710,707, G deleted; the last of 2 consecutive G bases (chr16:50,710,706-50,710,707); deleting either gives the same sequence. VCF-style (leftmost placement, unchanged base first): chr16-50710705-TG-T. GRCh37 (hg19) VCF-style: chr16-50744616-TG-T.
Other names: c.715del, p.Ala239fs (NM_001293557.2); c.796del, p.Ala266fs (NM_022162.3); short protein forms A266fs, A239fs.
Identifiers: ClinVar variation 1386374 (VCV001386374.6), dbSNP rs772914954, ClinGen allele CA8051395.

ClinVar aggregate classification (germline): Uncertain significance (1 of 4 stars; one submission).

Conditions:
Blau syndrome (BLAUS). Also called: ARTHROCUTANEOUVEAL GRANULOMATOSIS; GRANULOMATOSIS, FAMILIAL JUVENILE SYSTEMIC; GRANULOMATOSIS, FAMILIAL, BLAU TYPE; GRANULOMATOUS INFLAMMATORY ARTHRITIS, DERMATITIS, AND UVEITIS, FAMILIAL; JABS SYNDROME. Identifiers: Orphanet 90340, MedGen C5201146, MONDO:0008523, OMIM 186580.
Regional enteritis. Also called: Enteritis, Granulomatous. Identifiers: MedGen C0678202, MeSH D003424.

Submission:

Labcorp Genetics (formerly Invitae), Labcorp
Classification: Uncertain significance for Regional enteritis; Blau syndrome. Last evaluated: 2022-07-21. Review status: criteria provided, single submitter. Criteria: Invitae Variant Classification Sherloc (09022015). Collection method: clinical testing. Allele origin: germline.
Comment: In summary, the available evidence is currently insufficient to determine the role of this variant in disease. Therefore, it has been classified as a Variant of Uncertain Significance. ClinVar contains an entry for this variant (Variation ID: 1386374). This variant has not been reported in the literature in individuals affected with NOD2-related conditions. The frequency data for this variant in the population databases is considered unreliable, as metrics indicate poor data quality at this position in the gnomAD database. This sequence change creates a premature translational stop signal (p.Ala266Leufs*111) in the NOD2 gene. It is expected to result in an absent or disrupted protein product. However, the current clinical and genetic evidence is not sufficient to establish whether loss-of-function variants in NOD2 cause disease.